The following is an entry in ClinVar:

NM_001378615.1(CC2D2A):c.1091C>T (p.Pro364Leu)

Genes: CC2D2A (coiled-coil and C2 domain containing 2A; plus strand), FBXL5 (F-box and leucine rich repeat protein 5; minus strand). Cytogenetic location: 4p15.32.
Variant type: single nucleotide variant.
Coding change: c.1091C>T on transcript NM_001378615.1 (MANE Select); coding-DNA position 1091, C replaced by T.
Protein change: p.Pro364Leu; replaces proline 364 with leucine.
Molecular consequence: missense variant.
Genome position (GRCh38, 1-based): chr4:15,516,698, C>T. VCF-style: chr4-15516698-C-T. GRCh37 (hg19) VCF-style: chr4-15518321-C-T.
Other names: p.Pro364Leu; c.1091C>T, p.Pro364Leu (NM_001080522.2); c.944C>T, p.Pro315Leu (NM_001378617.1); short protein forms P315L, P364L.
Identifiers: ClinVar variation 1471877 (VCV001471877.5), dbSNP rs768618373, ClinGen allele CA2863561.
Genomic context (GRCh38, chr4:15,516,698, plus strand): 5'-TTGGAGATGACGGCAGGATCCTAGCTCTGCCAAACCCCATCAAGCCATTTCCTTCAAGGC[C>T]GCCAGTACTAACACAGGAGCAGAGCATTAAGGCAGAGCTTGAAACACTGTATAAAAAGGT-3'
Protein context (NP_001365544.1, residues 354-374): PNPIKPFPSR[Pro364Leu]PVLTQEQSIK

ClinVar aggregate classification (germline): Uncertain significance. Review status: criteria provided, multiple submitters, no conflicts (2 of 4 stars). 3 submissions from 3 submitters: Uncertain significance (3). Last evaluated 2024-10-21.

Conditions:
Joubert syndrome. Also called: JOUBERT-BOLTSHAUSER SYNDROME; Familial aplasia of the vermis. Identifiers: Orphanet 475, MedGen C5979921, MONDO:0018772.
Meckel-Gruber syndrome. Also called: DYSENCEPHALIA SPLANCHNOCYSTICA; GRUBER SYNDROME; Dysencephalia splachnocystica. Identifiers: Orphanet 564, MedGen C0265215, MONDO:0018921.

Allele frequency attached by ClinVar (database versions not stated): gnomAD 0.00001; ExAC 0.00003; gnomAD exomes 0.00004.
gnomAD v4.1: 32 of 1,613,230 alleles (0.002%); highest among the groups gnomAD compares: East Asian, 0.027%; no homozygotes.

Submissions (3):

Mayo Clinic Laboratories, Mayo Clinic
Classification: Uncertain significance. Last evaluated: 2024-10-21. Review status: criteria provided, single submitter. Criteria: ACMG Guidelines, 2015. Collection method: clinical testing. Allele origin: germline. Observed: 1 variant allele.
Comment: PM2_supporting

Blueprint Genetics
Classification: Uncertain significance. Last evaluated: 2023-09-06. Review status: criteria provided, single submitter. Criteria: ACMG Guidelines, 2015. Collection method: clinical testing. Allele origin: germline.

Labcorp Genetics (formerly Invitae), Labcorp
Classification: Uncertain significance for Joubert syndrome; Meckel-Gruber syndrome. Last evaluated: 2022-08-20. Review status: criteria provided, single submitter. Criteria: Invitae Variant Classification Sherloc (09022015). Collection method: clinical testing. Allele origin: germline.
Comment: This sequence change replaces proline, which is neutral and non-polar, with leucine, which is neutral and non-polar, at codon 364 of the CC2D2A protein (p.Pro364Leu). This variant is present in population databases (rs768618373, gnomAD 0.02%). This variant has not been reported in the literature in individuals affected with CC2D2A-related conditions. ClinVar contains an entry for this variant (Variation ID: 1471877). Advanced modeling of protein sequence and biophysical properties (such as structural, functional, and spatial information, amino acid conservation, physicochemical variation, residue mobility, and thermodynamic stability) performed at Invitae indicates that this missense variant is not expected to disrupt CC2D2A protein function. In summary, the available evidence is currently insufficient to determine the role of this variant in disease. Therefore, it has been classified as a Variant of Uncertain Significance.